The following is an entry in ClinVar:

NM_002470.4(MYH3):c.44C>A (p.Pro15His)

Gene: MYH3 (myosin heavy chain 3; minus strand). Cytogenetic location: 17p13.1.
Variant type: single nucleotide variant.
Coding change: c.44C>A on transcript NM_002470.4 (MANE Select); coding-DNA position 44, C replaced by A.
Protein change: p.Pro15His; replaces proline 15 with histidine.
Molecular consequence: missense variant.
Genome position (GRCh38, 1-based): chr17:10,655,021, G>T on the plus strand (C>A on the coding strand, the complement: MYH3 is on the minus strand). VCF-style: chr17-10655021-G-T. GRCh37 (hg19) VCF-style: chr17-10558338-G-T.
Other names: short protein forms P15H.
Identifiers: ClinVar variation 1995121 (VCV001995121.4), dbSNP rs2508655436, ClinGen allele CA398119354.

ClinVar aggregate classification (germline): Uncertain significance (1 of 4 stars; one submission).

Submission:

Labcorp Genetics (formerly Invitae), Labcorp
Classification: Uncertain significance. Last evaluated: 2022-05-16. Review status: criteria provided, single submitter. Criteria: Invitae Variant Classification Sherloc (09022015). Collection method: clinical testing. Allele origin: germline.
Comment: In summary, the available evidence is currently insufficient to determine the role of this variant in disease. Therefore, it has been classified as a Variant of Uncertain Significance. Algorithms developed to predict the effect of missense changes on protein structure and function (SIFT, PolyPhen-2, Align-GVGD) all suggest that this variant is likely to be disruptive. This variant has not been reported in the literature in individuals affected with MYH3-related conditions. This variant is not present in population databases (gnomAD no frequency). This sequence change replaces proline, which is neutral and non-polar, with histidine, which is basic and polar, at codon 15 of the MYH3 protein (p.Pro15His).